The following is an entry in ClinVar:

NM_005529.7(HSPG2):c.5705G>A (p.Gly1902Asp)

Gene: HSPG2 (heparan sulfate proteoglycan 2; minus strand). Cytogenetic location: 1p36.12.
Variant type: single nucleotide variant.
Coding change: c.5705G>A on transcript NM_005529.7 (MANE Select); coding-DNA position 5705, G replaced by A.
Protein change: p.Gly1902Asp; replaces glycine 1902 with aspartic acid.
Molecular consequence: missense variant.
Genome position (GRCh38, 1-based): chr1:21,855,672, C>T on the plus strand (G>A on the coding strand, the complement: HSPG2 is on the minus strand). VCF-style: chr1-21855672-C-T. GRCh37 (hg19) VCF-style: chr1-22182165-C-T.
Other names: c.5705G>A (NM_005529.5, NM_005529.6); c.5708G>A, p.Gly1903Asp (NM_001291860.2); short protein forms G1902D, G1903D.
Identifiers: ClinVar variation 1668595 (VCV001668595.14), dbSNP rs553885469, ClinGen allele CA671804.

ClinVar aggregate classification (germline): Conflicting classifications of pathogenicity. Review status: criteria provided, conflicting classifications (1 of 4 stars). 4 submissions from 4 submitters: Uncertain significance (1); Likely benign (2). 1 of the submissions does not count toward it. Last evaluated 2026-07-01.

Conditions:
HSPG2-related disorder. Also called: HSPG2-related disorders; HSPG2-related condition.

Allele frequency attached by ClinVar (database versions not stated): 1000 Genomes Project 0.00020; gnomAD exomes 0.00030 and 0.00061; 1000 Genomes Project 30x 0.00031; gnomAD 0.00050 and 0.00051; ExAC 0.00086.
gnomAD v4.1: 504 of 1,576,774 alleles (0.032%); highest among the groups gnomAD compares: Non-Finnish European, 0.019%; 1 homozygote.

Submissions (4):

CeGaT Center for Human Genetics Tuebingen
Classification: Likely benign. Last evaluated: 2026-07-01. Review status: criteria provided, single submitter. Criteria: CeGaT Center For Human Genetics Tuebingen Variant Classification Criteria Version 2. Collection method: clinical testing. Allele origin: germline. Affected: yes. Observed: 1 variant allele.
Comment: HSPG2: BS2

Labcorp Genetics (formerly Invitae), Labcorp
Classification: Likely benign. Last evaluated: 2025-07-20. Review status: criteria provided, single submitter. Criteria: Invitae Variant Classification Sherloc (09022015). Collection method: clinical testing. Allele origin: germline.

Revvity Omics, Revvity
Classification: Uncertain significance. Last evaluated: 2020-03-09. Review status: criteria provided, single submitter. Criteria: ACMG Guidelines, 2015. Collection method: clinical testing. Allele origin: germline.

PreventionGenetics, part of Exact Sciences
Classification: Likely benign for HSPG2-related condition. Last evaluated: 2019-06-06. Review status: no assertion criteria provided. Collection method: clinical testing. Allele origin: germline. Not counted in ClinVar's aggregate classification.
Comment: This variant is classified as likely benign based on ACMG/AMP sequence variant interpretation guidelines (Richards et al. 2015 PMID: 25741868, with internal and published modifications).